The following is an entry in ClinVar:

ClinVar aggregate classification (germline): Uncertain significance (0 of 4 stars; one submission).

Conditions:
PCNT-related disorder. Also called: PCNT-related condition.

Submission:

PreventionGenetics, part of Exact Sciences
Classification: Uncertain significance for PCNT-related condition. Last evaluated: 2024-03-25. Review status: no assertion criteria provided. Collection method: clinical testing. Allele origin: germline.
Comment: The PCNT c.367_405del39 variant is predicted to result in an in-frame deletion (p.Ser123_Val135del). To our knowledge, this variant has not been reported in the literature. This variant is reported in 0.0033% of alleles in individuals of South Asian descent in gnomAD. At this time, the clinical significance of this variant is uncertain due to the absence of conclusive functional and genetic evidence.

NM_006031.6(PCNT):c.367_405del (p.Ser123_Val135del)

Gene: PCNT (pericentrin; plus strand). Cytogenetic location: 21q22.3.
Variant type: Deletion.
Coding change: c.367_405del on transcript NM_006031.6 (MANE Select); coding-DNA positions 367 to 405, 39 bases deleted.
Protein change: p.Ser123_Val135del.
Molecular consequence: inframe deletion. On other transcripts: initiator codon variant (1).
Genome position (GRCh38, 1-based): chr21:46,334,496-46,334,534, 39 bases deleted; deleting any 39 consecutive bases within chr21:46,334,480-46,334,534 gives the same sequence; the c. name uses the placement nearest the transcript's 3' end. GRCh37 (hg19): chr21:47,754,410-47,754,448.
Other names: c.13_51del, p.Ser5_Val17del (NM_001315529.2).
Identifiers: ClinVar variation 3352161 (VCV003352161.1).